The following is an entry in ClinVar:

ClinVar aggregate classification (germline): Uncertain significance. Review status: criteria provided, multiple submitters, no conflicts (2 of 4 stars). 2 submissions from 2 submitters: Uncertain significance (2). Last evaluated 2022-05-04.

Conditions:
Ataxia-telangiectasia syndrome (AT). Also called: ATAXIA-TELANGIECTASIA, COMPLEMENTATION GROUP A; ATAXIA-TELANGIECTASIA, FRESNO VARIANT; Ataxia-telangiectasia; Ataxia-telangiectasia, complementation group D; AT, COMPLEMENTATION GROUP C; Ataxia-telangiectasia, complementation group E. Identifiers: Orphanet 100, MedGen C0004135, MONDO:0008840, OMIM 208900.

Submissions (2):

Mendelics
Classification: Uncertain significance. Last evaluated: 2022-05-04. Review status: criteria provided, single submitter. Criteria: Mendelics Assertion Criteria 2019. Collection method: clinical testing. Allele origin: germline.

Labcorp Genetics (formerly Invitae), Labcorp
Classification: Uncertain significance for Ataxia-telangiectasia syndrome. Last evaluated: 2021-07-14. Review status: criteria provided, single submitter. Criteria: Invitae Variant Classification Sherloc (09022015). Collection method: clinical testing. Allele origin: germline.
Comment: This sequence change replaces glutamic acid with glycine at codon 874 of the ATM protein (p.Glu874Gly). The glutamic acid residue is moderately conserved and there is a moderate physicochemical difference between glutamic acid and glycine. This variant is not present in population databases (ExAC no frequency). This variant has not been reported in the literature in individuals with ATM-related disease. Algorithms developed to predict the effect of missense changes on protein structure and function (SIFT, PolyPhen-2, Align-GVGD) all suggest that this variant is likely to be tolerated, but these predictions have not been confirmed by published functional studies and their clinical significance is uncertain. In summary, the available evidence is currently insufficient to determine the role of this variant in disease. Therefore, it has been classified as a Variant of Uncertain Significance.

NM_000051.4(ATM):c.2621A>G (p.Glu874Gly)

Gene: ATM (ATM serine/threonine kinase; plus strand). Cytogenetic location: 11q22.3.
Variant type: single nucleotide variant.
Coding change: c.2621A>G on transcript NM_000051.4 (MANE Select); coding-DNA position 2621, A replaced by G.
Protein change: p.Glu874Gly; replaces glutamic acid 874 with glycine.
Molecular consequence: missense variant.
Genome position (GRCh38, 1-based): chr11:108,267,325, A>G. VCF-style: chr11-108267325-A-G. GRCh37 (hg19) VCF-style: chr11-108138052-A-G.
Other names: c.2621A>G, p.Glu874Gly (NM_001351834.2); short protein forms E874G.
Identifiers: ClinVar variation 524328 (VCV000524328.11), dbSNP rs1555082338, ClinGen allele CA382544264.